The following is an entry in ClinVar:

NM_006514.4(SCN10A):c.3394A>C (p.Lys1132Gln)

Genes: SCN10A (sodium voltage-gated channel alpha subunit 10; minus strand), LOC110121288 (VISTA enhancer hs2268; plus strand). Cytogenetic location: 3p22.2.
Variant type: single nucleotide variant.
Coding change: c.3394A>C on transcript NM_006514.4 (MANE Select); coding-DNA position 3394, A replaced by C.
Protein change: p.Lys1132Gln; replaces lysine 1132 with glutamine.
Molecular consequence: missense variant.
Genome position (GRCh38, 1-based): chr3:38,722,371, T>G on the plus strand (A>C on the coding strand, the complement: SCN10A is on the minus strand). VCF-style: chr3-38722371-T-G. GRCh37 (hg19) VCF-style: chr3-38763862-T-G.
Other names: c.3394A>C (NM_006514.3); c.3391A>C, p.Lys1131Gln (NM_001293306.2); c.3100A>C, p.Lys1034Gln (NM_001293307.2); short protein forms K1034Q, K1131Q, K1132Q.
Identifiers: ClinVar variation 1034930 (VCV001034930.9), dbSNP rs756848600, ClinGen allele CA2320245.
Genomic context (GRCh38, chr3:38,722,371, plus strand): 5'-TGTGCTCCACGATACGGTAGCAAGTCTTGCGCACCTGCCAGCCCACATCCCATGGACTCT[T>G]GGTGGTATCCAGTTTGCAGCAGGGACAGTGGCGAATGCATCCTGTGGGGAGAGGTGACTG-3'
Protein context (NP_006505.4, residues 1122-1142): HCPCCKLDTT[Lys1132Gln]SPWDVGWQVR

ClinVar aggregate classification (germline): Conflicting classifications of pathogenicity. Review status: criteria provided, conflicting classifications (1 of 4 stars). 4 submissions from 4 submitters: Uncertain significance (2); Likely benign (2). Last evaluated 2026-06-19.

Conditions:
Brugada syndrome. Also called: Sudden Unexplained Death Syndrome; Sudden Unexplained Nocturnal Death Syndrome (SUNDS); Sudden unexplained nocturnal death syndrome; Sudden unexpected nocturnal death syndrome. Identifiers: Orphanet 130, MedGen C1142166, MONDO:0015263.
Cardiovascular phenotype. Identifiers: MedGen CN230736.
SCN10A-related disorder. Also called: SCN10A-related condition.

Allele frequency attached by ClinVar (database versions not stated): gnomAD exomes 0.00001 and 0.00004; gnomAD 0.00003; ExAC 0.00001; TOPMed 0.00005.
gnomAD v4.1: 25 of 1,614,026 alleles (0.0015%); highest among the groups gnomAD compares: Middle Eastern, 0.016%; no homozygotes.

Submissions (4):

Women's Health and Genetics/Laboratory Corporation of America, LabCorp
Classification: Likely benign. Last evaluated: 2026-06-19. Review status: criteria provided, single submitter. Criteria: LabCorp Variant Classification Summary - May 2015. Collection method: clinical testing. Allele origin: germline.

Labcorp Genetics (formerly Invitae), Labcorp
Classification: Uncertain significance for Brugada syndrome. Last evaluated: 2025-09-02. Review status: criteria provided, single submitter. Criteria: Invitae Variant Classification Sherloc (09022015). Collection method: clinical testing. Allele origin: germline.
Comment: This sequence change replaces lysine, which is basic and polar, with glutamine, which is neutral and polar, at codon 1132 of the SCN10A protein (p.Lys1132Gln). This variant is present in population databases (rs756848600, gnomAD 0.02%). This variant has not been reported in the literature in individuals affected with SCN10A-related conditions. ClinVar contains an entry for this variant (Variation ID: 1034930). Invitae Evidence Modeling of protein sequence and biophysical properties (such as structural, functional, and spatial information, amino acid conservation, physicochemical variation, residue mobility, and thermodynamic stability) indicates that this missense variant is not expected to disrupt SCN10A protein function with a negative predictive value of 80%. In summary, the available evidence is currently insufficient to determine the role of this variant in disease. Therefore, it has been classified as a Variant of Uncertain Significance.

PreventionGenetics, part of Exact Sciences
Classification: Uncertain significance for SCN10A-related condition. Last evaluated: 2023-09-14. Review status: criteria provided, single submitter. Criteria: ACMG Guidelines, 2015. Collection method: clinical testing. Allele origin: germline.
Comment: The SCN10A c.3394A>C variant is predicted to result in the amino acid substitution p.Lys1132Gln. To our knowledge, this variant has not been reported in the literature. This variant is reported in 0.020% of alleles in individuals of Latino descent in gnomAD. Although we suspect that this variant may be benign, at this time, the clinical significance of this variant is uncertain due to the absence of conclusive functional and genetic evidence.

Ambry Genetics
Classification: Likely benign for Cardiovascular phenotype. Last evaluated: 2021-04-08. Review status: criteria provided, single submitter. Criteria: Ambry Variant Classification Scheme 2023. Collection method: clinical testing. Allele origin: germline.